The following is an entry in ClinVar:

NM_020247.5(COQ8A):c.1059C>T (p.Arg353=)

Gene: COQ8A (coenzyme Q8A; plus strand). Cytogenetic location: 1q42.13.
Variant type: single nucleotide variant.
Coding change: c.1059C>T on transcript NM_020247.5 (MANE Select); coding-DNA position 1059, C replaced by T.
Protein change: p.Arg353=; no amino-acid change (arginine 353 retained).
Molecular consequence: synonymous variant.
Genome position (GRCh38, 1-based): chr1:226,983,013, C>T. VCF-style: chr1-226983013-C-T. GRCh37 (hg19) VCF-style: chr1-227170714-C-T.
Other names: p.Arg353=.
Identifiers: ClinVar variation 2419092 (VCV002419092.8), dbSNP rs768819805, ClinGen allele CA1425279.

ClinVar aggregate classification (germline): Likely benign. Review status: criteria provided, multiple submitters, no conflicts (2 of 4 stars). 2 submissions from 2 submitters: Likely benign (2). Last evaluated 2025-07-28.

Allele frequency attached by ClinVar (database versions not stated): gnomAD exomes 0.00002; gnomAD 0.00003; TOPMed 0.00003; ExAC 0.00008.

Submissions (2):

Labcorp Genetics (formerly Invitae), Labcorp
Classification: Likely benign. Last evaluated: 2025-07-28. Review status: criteria provided, single submitter. Criteria: Invitae Variant Classification Sherloc (09022015). Collection method: clinical testing. Allele origin: germline.

Mayo Clinic Laboratories, Mayo Clinic
Classification: Likely benign. Last evaluated: 2025-06-26. Review status: criteria provided, single submitter. Criteria: ACMG Guidelines, 2015. Collection method: clinical testing. Allele origin: germline. Observed: 1 variant allele.
Comment: BP4, BP7